The following is an entry in ClinVar:

ClinVar aggregate classification (germline): Uncertain significance (1 of 4 stars; one submission).

Submission:

Labcorp Genetics (formerly Invitae), Labcorp
Classification: Uncertain significance. Last evaluated: 2024-10-16. Review status: criteria provided, single submitter. Criteria: Invitae Variant Classification Sherloc (09022015). Collection method: clinical testing. Allele origin: germline.
Comment: This sequence change replaces proline, which is neutral and non-polar, with arginine, which is basic and polar, at codon 58 of the BSND protein (p.Pro58Arg). This variant is not present in population databases (gnomAD no frequency). This variant has not been reported in the literature in individuals affected with BSND-related conditions. ClinVar contains an entry for this variant (Variation ID: 1358787). Invitae Evidence Modeling of protein sequence and biophysical properties (such as structural, functional, and spatial information, amino acid conservation, physicochemical variation, residue mobility, and thermodynamic stability) indicates that this missense variant is expected to disrupt BSND protein function with a positive predictive value of 80%. In summary, the available evidence is currently insufficient to determine the role of this variant in disease. Therefore, it has been classified as a Variant of Uncertain Significance.

NM_057176.3(BSND):c.173C>G (p.Pro58Arg)

Gene: BSND (barttin CLCNK type accessory subunit beta; plus strand). Cytogenetic location: 1p32.3.
Variant type: single nucleotide variant.
Coding change: c.173C>G on transcript NM_057176.3 (MANE Select); coding-DNA position 173, C replaced by G.
Protein change: p.Pro58Arg; replaces proline 58 with arginine.
Molecular consequence: missense variant.
Genome position (GRCh38, 1-based): chr1:54,999,359, C>G. VCF-style: chr1-54999359-C-G. GRCh37 (hg19) VCF-style: chr1-55465032-C-G.
Other names: short protein forms P58R.
Identifiers: ClinVar variation 1358787 (VCV001358787.8), dbSNP rs2101644512, ClinGen allele CA340470875.